The following is an entry in ClinVar:

ClinVar aggregate classification (germline): Likely pathogenic (1 of 4 stars; one submission).

Conditions:
Short stature, facial dysmorphism, and skeletal anomalies with or without cardiac anomalies 1. Identifiers: MedGen C5542952, MONDO:0100297, OMIM 617877.

Submission:

Victorian Clinical Genetics Services, Murdoch Childrens Research Institute
Classification: Likely pathogenic for Short stature, facial dysmorphism, and skeletal anomalies with or without cardiac anomalies 1. Last evaluated: 2022-06-24. Review status: criteria provided, single submitter. Criteria: ACMG Guidelines, 2015. Collection method: clinical testing. Allele origin: germline. Inheritance: Autosomal dominant inheritance. Affected: yes.
Comment: Based on the classification scheme VCGS_Germline_v1.3.4, this variant is classified as Likely pathogenic. Following criteria are met: 0102 - Loss of function is a likely mechanism of disease in this gene and is associated with short stature, facial dysmorphism, and skeletal anomalies with or without cardiac anomalies 1 (MIM#617877). The mechanism of brachydactyly, type A2 (MIM#112600) is unclear however, it is only reported in individuals with a duplication within the 3' regulatory region (PMID: 35227291, PMID: 29198724). (I) 0107 - This gene is associated with autosomal dominant disease. (I) 0208 - Variant is predicted to result in an elongated protein. (SP) 0251 - This variant is heterozygous. (I) 0301 - Variant is absent from gnomAD (both v2 and v3). (SP) 0710 - Other stop-loss variant comparable to the one identified in this case has inconclusive previous evidence for pathogenicity. This variant (p.(*397Ser)) has been reported as a VUS, in an individual with inborn genetic disease (ClinVar). (I) 0807 - This variant has no previous evidence of pathogenicity. (I) 0905 - No published segregation evidence has been identified for this variant. (I) 1007 - No published functional evidence has been identified for this variant. (I) 1102 - Strong phenotype match for this individual. (SP) Legend: (SP) - Supporting pathogenic, (I) - Information, (SB) - Supporting benign

Literature cited by the submitters: PubMed 29198724; PubMed 35227291.

NM_001200.4(BMP2):c.1191G>C (p.Ter397Tyr)

Gene: BMP2 (bone morphogenetic protein 2; plus strand). Cytogenetic location: 20p12.3.
Variant type: single nucleotide variant.
Coding change: c.1191G>C on transcript NM_001200.4 (MANE Select); coding-DNA position 1191, G replaced by C.
Protein change: p.Ter397Tyr.
Molecular consequence: stop lost.
Genome position (GRCh38, 1-based): chr20:6,779,089, G>C. VCF-style: chr20-6779089-G-C. GRCh37 (hg19) VCF-style: chr20-6759736-G-C.
Identifiers: ClinVar variation 1699318 (VCV001699318.3), dbSNP rs1236079340, ClinGen allele CA408260029.